The following is an entry in ClinVar:

ClinVar aggregate classification (germline): Uncertain significance. Review status: criteria provided, single submitter (1 of 4 stars). 2 submissions from 2 submitters: Uncertain significance (1). 1 of the submissions does not count toward it. Last evaluated 2023-03-01.

Conditions:
NOTCH3-related disorder. Also called: NOTCH3-related condition; NOTCH3-related disorders.

Submissions (2):

Labcorp Genetics (formerly Invitae), Labcorp
Classification: Uncertain significance. Last evaluated: 2023-03-01. Review status: criteria provided, single submitter. Criteria: Invitae Variant Classification Sherloc (09022015). Collection method: clinical testing. Allele origin: germline.
Comment: In summary, the available evidence is currently insufficient to determine the role of this variant in disease. Therefore, it has been classified as a Variant of Uncertain Significance. Advanced modeling of protein sequence and biophysical properties (such as structural, functional, and spatial information, amino acid conservation, physicochemical variation, residue mobility, and thermodynamic stability) performed at Invitae indicates that this missense variant is expected to disrupt NOTCH3 protein function. This variant has not been reported in the literature in individuals affected with NOTCH3-related conditions. This variant is not present in population databases (gnomAD no frequency). This sequence change replaces glycine, which is neutral and non-polar, with cysteine, which is neutral and slightly polar, at codon 70 of the NOTCH3 protein (p.Gly70Cys).

PreventionGenetics, part of Exact Sciences
Classification: Likely pathogenic for NOTCH3-related condition. Last evaluated: 2024-01-08. Review status: no assertion criteria provided. Collection method: clinical testing. Allele origin: germline. Not counted in ClinVar's aggregate classification.
Comment: The NOTCH3 c.208G>T variant is predicted to result in the amino acid substitution p.Gly70Cys. To our knowledge, this variant has not been reported in the literature or in a large population database, indicating this variant is rare. Most CADASIL causing variants in the NOTCH3 gene result in the gain or loss of one or more cysteine residues in the extracellular domain of the protein, as seen in this patient. This patient’s variant alters a cysteine residue and is located in the extracellular EGF-like domain one. Pathogenic variants in EGF-like domains 1-6 appear to be fully penetrant and are usually associated with the classical CADASIL phenotype. However, there is variability in disease severity (OMIM #125310; Rutten et al. 2016. PubMed ID: 27844030; Rutten et al. 2019. PubMed ID: 30032161). This variant is interpreted as likely pathogenic.

NM_000435.3(NOTCH3):c.208G>T (p.Gly70Cys)

Gene: NOTCH3 (notch receptor 3; minus strand). Cytogenetic location: 19p13.12.
Variant type: single nucleotide variant.
Coding change: c.208G>T on transcript NM_000435.3 (MANE Select); coding-DNA position 208, G replaced by T.
Protein change: p.Gly70Cys; replaces glycine 70 with cysteine.
Molecular consequence: missense variant.
Genome position (GRCh38, 1-based): chr19:15,192,509, C>A on the plus strand (G>T on the coding strand, the complement: NOTCH3 is on the minus strand). VCF-style: chr19-15192509-C-A. GRCh37 (hg19) VCF-style: chr19-15303320-C-A.
Other names: c.208G>T (NM_000435.2); short protein forms G70C.
Identifiers: ClinVar variation 2841810 (VCV002841810.5), dbSNP rs1379608507, ClinGen allele CA404535199.